The following is an entry in ClinVar:

ClinVar aggregate classification (germline): Conflicting classifications of pathogenicity. Review status: criteria provided, conflicting classifications (1 of 4 stars). 3 submissions from 3 submitters: Uncertain significance (2); Likely benign (1). Last evaluated 2026-01-08.

Allele frequency attached by ClinVar (database versions not stated): gnomAD exomes 0.00002; ExAC 0.00003; ESP Exome Variant Server 0.00008.
gnomAD v4.1: 42 of 1,613,496 alleles (0.0026%); highest among the groups gnomAD compares: African/African-American, 0.0067%; no homozygotes.

Submissions (3):

Labcorp Genetics (formerly Invitae), Labcorp
Classification: Uncertain significance. Last evaluated: 2026-01-08. Review status: criteria provided, single submitter. Criteria: Invitae Variant Classification Sherloc (09022015). Collection method: clinical testing. Allele origin: germline.
Comment: This sequence change replaces arginine, which is basic and polar, with tryptophan, which is neutral and slightly polar, at codon 1584 of the FAT2 protein (p.Arg1584Trp). This variant is present in population databases (rs368074191, gnomAD 0.007%). This variant has not been reported in the literature in individuals affected with FAT2-related conditions. ClinVar contains an entry for this variant (Variation ID: 2243784). Invitae Evidence Modeling of protein sequence and biophysical properties (such as structural, functional, and spatial information, amino acid conservation, physicochemical variation, residue mobility, and thermodynamic stability) indicates that this missense variant is not expected to disrupt FAT2 protein function with a negative predictive value of 80%. In summary, the available evidence is currently insufficient to determine the role of this variant in disease. Therefore, it has been classified as a Variant of Uncertain Significance.

CeGaT Center for Human Genetics Tuebingen
Classification: Likely benign. Last evaluated: 2023-05-01. Review status: criteria provided, single submitter. Criteria: CeGaT Center For Human Genetics Tuebingen Variant Classification Criteria Version 2. Collection method: clinical testing. Allele origin: germline. Affected: yes. Observed: 1 variant allele.
Comment: FAT2: BP4

Ambry Genetics
Classification: Uncertain significance. Last evaluated: 2021-06-11. Review status: criteria provided, single submitter. Criteria: Ambry Variant Classification Scheme 2023. Collection method: clinical testing. Allele origin: germline.

NM_001447.3(FAT2):c.4750C>T (p.Arg1584Trp)

Genes: FAT2 (FAT atypical cadherin 2; minus strand), SLC36A1 (solute carrier family 36 member 1; plus strand). Cytogenetic location: 5q33.1.
Variant type: single nucleotide variant.
Coding change: c.4750C>T on transcript NM_001447.3 (MANE Select); coding-DNA position 4750, C replaced by T.
Protein change: p.Arg1584Trp; replaces arginine 1584 with tryptophan.
Molecular consequence: missense variant.
Genome position (GRCh38, 1-based): chr5:151,549,334, G>A on the plus strand (C>T on the coding strand, the complement: FAT2 is on the minus strand). VCF-style: chr5-151549334-G-A. GRCh37 (hg19) VCF-style: chr5-150928895-G-A.
Other names: short protein forms R1584W.
Identifiers: ClinVar variation 2243784 (VCV002243784.27), dbSNP rs368074191, ClinGen allele CA3521467.